The following is an entry in ClinVar:

NM_033026.6(PCLO):c.2965G>C (p.Ala989Pro)

Gene: PCLO (piccolo presynaptic cytomatrix protein; minus strand). Cytogenetic location: 7q21.11.
Variant type: single nucleotide variant.
Coding change: c.2965G>C on transcript NM_033026.6 (MANE Select); coding-DNA position 2965, G replaced by C.
Protein change: p.Ala989Pro; replaces alanine 989 with proline.
Molecular consequence: missense variant.
Genome position (GRCh38, 1-based): chr7:83,134,585, C>G on the plus strand (G>C on the coding strand, the complement: PCLO is on the minus strand). VCF-style: chr7-83134585-C-G. GRCh37 (hg19) VCF-style: chr7-82763901-C-G.
Other names: c.2965G>C, p.Ala989Pro (NM_014510.3); short protein forms A989P.
Identifiers: ClinVar variation 1507486 (VCV001507486.8), dbSNP rs1393687343, ClinGen allele CA367898175.
Genomic context (GRCh38, chr7:83,134,585, plus strand): 5'-CTAATTTTTCAGCTGCTGGGGCTTTTGTTTCCTTTTTCACAGGTATACTTTTTGCAGGTG[C>G]TGGTGGTGCTTGACCTGTGGATTTGGGTGGCCCTTGTGAAGTAGGTGGCTGTGAAGGGGC-3'
Protein context (NP_149015.2, residues 979-999): PPKSTGQAPP[Ala989Pro]PAKSIPVKKE

ClinVar aggregate classification (germline): Uncertain significance (1 of 4 stars; one submission).

Allele frequency attached by ClinVar (database versions not stated): gnomAD exomes below 0.00001.

Submission:

Labcorp Genetics (formerly Invitae), Labcorp
Classification: Uncertain significance. Last evaluated: 2021-05-20. Review status: criteria provided, single submitter. Criteria: Invitae Variant Classification Sherloc (09022015). Collection method: clinical testing. Allele origin: germline.
Comment: In summary, the available evidence is currently insufficient to determine the role of this variant in disease. Therefore, it has been classified as a Variant of Uncertain Significance. Algorithms developed to predict the effect of missense changes on protein structure and function are either unavailable or do not agree on the potential impact of this missense change (SIFT: "Tolerated"; PolyPhen-2: "Not Available"; Align-GVGD: "Class C0"). This variant has not been reported in the literature in individuals with PCLO-related conditions. This variant is not present in population databases (ExAC no frequency). This sequence change replaces alanine with proline at codon 989 of the PCLO protein (p.Ala989Pro). The alanine residue is moderately conserved and there is a small physicochemical difference between alanine and proline.